The following is an entry in ClinVar:

NM_000038.6(APC):c.6514G>A (p.Glu2172Lys)

Gene: APC (APC regulator of Wnt signaling pathway; plus strand). Cytogenetic location: 5q22.2.
Variant type: single nucleotide variant.
Coding change: c.6514G>A on transcript NM_000038.6 (MANE Select); coding-DNA position 6514, G replaced by A.
Protein change: p.Glu2172Lys; replaces glutamic acid 2172 with lysine.
Molecular consequence: missense variant.
Genome position (GRCh38, 1-based): chr5:112,842,108, G>A. VCF-style: chr5-112842108-G-A. GRCh37 (hg19) VCF-style: chr5-112177805-G-A.
Other names: c.6514G>A, p.Glu2172Lys (NM_001127510.3, NM_001354895.2); c.6460G>A, p.Glu2154Lys (NM_001127511.3); c.6568G>A, p.Glu2190Lys (NM_001354896.2); c.6544G>A, p.Glu2182Lys (NM_001354897.2); c.6439G>A, p.Glu2147Lys (NM_001354898.2); c.6430G>A, p.Glu2144Lys (NM_001354899.2); c.6391G>A, p.Glu2131Lys (NM_001354900.2); c.6337G>A, p.Glu2113Lys (NM_001354901.2); and 5 more; short protein forms E2154K, E2172K, E1889K, E2046K, E2071K, E2144K, E2012K, E2190K.
Identifiers: ClinVar variation 219930 (VCV000219930.21), dbSNP rs864622314, ClinGen allele CA349650.

ClinVar aggregate classification (germline): Uncertain significance. Review status: criteria provided, multiple submitters, no conflicts (2 of 4 stars). 5 submissions from 5 submitters: Uncertain significance (5). Last evaluated 2024-08-01.

Conditions:
Classic or attenuated familial adenomatous polyposis. Identifiers: MedGen CN372698, MONDO:0021057.
Hereditary cancer-predisposing syndrome. Also called: Hereditary neoplastic syndrome; Tumor predisposition; Hereditary Cancer Syndrome; Neoplastic Syndromes, Hereditary. Identifiers: Orphanet 140162, MedGen C0027672, MeSH D009386, MONDO:0015356.
Familial adenomatous polyposis 1 (FAP1). Also called: FAMILIAL ADENOMATOUS POLYPOSIS 1, ATTENUATED; POLYPOSIS, ADENOMATOUS INTESTINAL. Identifiers: MedGen C2713442, MONDO:0021056, OMIM 175100. Disease mechanism: loss of function.

Allele frequency attached by ClinVar (database versions not stated): gnomAD exomes below 0.00001; gnomAD 0.00001; TOPMed 0.00001.
gnomAD v4.1: 2 of 1,611,138 alleles (0.00012%); highest among the groups gnomAD compares: Non-Finnish European, 0.00017%; no homozygotes.

Submissions (5):

Quest Diagnostics Nichols Institute San Juan Capistrano
Classification: Uncertain significance. Last evaluated: 2024-08-01. Review status: criteria provided, single submitter. Criteria: Quest Diagnostics criteria. Collection method: clinical testing. Allele origin: unknown.
Comment: The APC c.6514G>A (p.Glu2172Lys) variant has not been reported in individuals with APC-related conditions in the published literature. The frequency of this variant in the general population, 0.0000066 (1/152098 chromosomes (Genome Aggregation Database)), is uninformative in the assessment of its pathogenicity. Analysis of this variant using bioinformatics tools for the prediction of the effect of amino acid changes on protein structure and function yielded predictions that this variant is damaging. Based on the available information, we are unable to determine the clinical significance of this variant.

Color Diagnostics, LLC DBA Color Health
Classification: Uncertain significance for Hereditary cancer-predisposing syndrome. Last evaluated: 2024-03-06. Review status: criteria provided, single submitter. Criteria: ACMG Guidelines, 2015. Collection method: clinical testing. Allele origin: germline.
Comment: This missense variant replaces glutamic acid with lysine at codon 2172 of the APC protein. Computational prediction suggests that this variant may not impact protein structure and function (internally defined REVEL score threshold <= 0.5, PMID: 27666373). To our knowledge, functional studies have not been reported for this variant. This variant has not been reported in individuals affected with APC-related disorders in the literature. This variant has not been identified in the general population by the Genome Aggregation Database (gnomAD). The available evidence is insufficient to determine the role of this variant in disease conclusively. Therefore, this variant is classified as a Variant of Uncertain Significance.

All of Us Research Program, National Institutes of Health
Classification: Uncertain significance for Classic or attenuated familial adenomatous polyposis. Last evaluated: 2023-11-30. Review status: criteria provided, single submitter. Criteria: ACMG Guidelines, 2015. Collection method: clinical testing. Allele origin: germline. Inheritance: Autosomal dominant inheritance. Observed: 2 variant alleles, 2 heterozygotes.
Comment: This missense variant replaces glutamic acid with lysine at codon 2172 of the APC protein. Computational prediction suggests that this variant may not impact protein structure and function (internally defined REVEL score threshold <= 0.5, PMID: 27666373). To our knowledge, functional studies have not been reported for this variant. This variant has not been reported in individuals affected with APC-related disorders in the literature. This variant has not been identified in the general population by the Genome Aggregation Database (gnomAD). The available evidence is insufficient to determine the role of this variant in disease conclusively. Therefore, this variant is classified as a Variant of Uncertain Significance.

This study involves interpretation of variants in research participants for the purpose of population health screening. Participant phenotype was not available at the time of variant classification. Additional details can be found in publication PMID: 35346344, PMCID: PMC8962531

Labcorp Genetics (formerly Invitae), Labcorp
Classification: Uncertain significance for Familial adenomatous polyposis 1. Last evaluated: 2023-09-09. Review status: criteria provided, single submitter. Criteria: Invitae Variant Classification Sherloc (09022015). Collection method: clinical testing. Allele origin: germline.
Comment: This variant is not present in population databases (gnomAD no frequency). This sequence change replaces glutamic acid, which is acidic and polar, with lysine, which is basic and polar, at codon 2172 of the APC protein (p.Glu2172Lys). In summary, the available evidence is currently insufficient to determine the role of this variant in disease. Therefore, it has been classified as a Variant of Uncertain Significance. Advanced modeling of protein sequence and biophysical properties (such as structural, functional, and spatial information, amino acid conservation, physicochemical variation, residue mobility, and thermodynamic stability) performed at Invitae indicates that this missense variant is not expected to disrupt APC protein function. ClinVar contains an entry for this variant (Variation ID: 219930). This variant has not been reported in the literature in individuals affected with APC-related conditions.

Ambry Genetics
Classification: Uncertain significance for Hereditary cancer-predisposing syndrome. Last evaluated: 2023-08-16. Review status: criteria provided, single submitter. Criteria: Ambry Variant Classification Scheme 2023. Collection method: clinical testing. Allele origin: germline.
Comment: The p.E2172K variant (also known as c.6514G>A), located in coding exon 15 of the APC gene, results from a G to A substitution at nucleotide position 6514. The glutamic acid at codon 2172 is replaced by lysine, an amino acid with similar properties. This amino acid position is well conserved in available vertebrate species. In addition, in silico predictors for this gene do not accurately predict pathogenicity. Since supporting evidence is limited at this time, the clinical significance of this alteration remains unclear.